The following is an entry in ClinVar:

ClinVar aggregate classification (germline): Likely benign. Review status: criteria provided, multiple submitters, no conflicts (2 of 4 stars). 2 submissions from 2 submitters: Likely benign (2). Last evaluated 2018-05-25.

Allele frequency attached by ClinVar (database versions not stated): gnomAD exomes below 0.00001; ExAC 0.00001.
gnomAD v4.1: 6 of 1,614,002 alleles (0.00037%); highest among the groups gnomAD compares: South Asian, 0.0011%; no homozygotes.

Submissions (2):

Labcorp Genetics (formerly Invitae), Labcorp
Classification: Likely benign. Last evaluated: 2018-05-25. Review status: criteria provided, single submitter. Criteria: Invitae Variant Classification Sherloc (09022015). Collection method: clinical testing. Allele origin: germline.

GeneDx
Classification: Likely benign. Last evaluated: 2017-05-04. Review status: criteria provided, single submitter. Criteria: GeneDx Variant Classification (06012015). Collection method: clinical testing. Allele origin: germline. Affected: yes.
Comment: This variant is considered likely benign or benign based on one or more of the following criteria: it is a conservative change, it occurs at a poorly conserved position in the protein, it is predicted to be benign by multiple in silico algorithms, and/or has population frequency not consistent with disease.

NM_017827.4(SARS2):c.666C>T (p.His222=)

Gene: SARS2 (seryl-tRNA synthetase 2, mitochondrial; minus strand). Cytogenetic location: 19q13.2.
Variant type: single nucleotide variant.
Coding change: c.666C>T on transcript NM_017827.4 (MANE Select); coding-DNA position 666, C replaced by T.
Protein change: p.His222=; no amino-acid change (histidine 222 retained).
Molecular consequence: synonymous variant.
Genome position (GRCh38, 1-based): chr19:38,919,855, G>A on the plus strand (C>T on the coding strand, the complement: SARS2 is on the minus strand). VCF-style: chr19-38919855-G-A. GRCh37 (hg19) VCF-style: chr19-39410495-G-A.
Other names: c.672C>T, p.His224= (NM_001145901.2).
Identifiers: ClinVar variation 508842 (VCV000508842.4), dbSNP rs752862405, ClinGen allele CA9423072.